The following is an entry in ClinVar:

ClinVar aggregate classification (germline): Uncertain significance (1 of 4 stars; one submission).

Submission:

Labcorp Genetics (formerly Invitae), Labcorp
Classification: Uncertain significance. Last evaluated: 2022-07-19. Review status: criteria provided, single submitter. Criteria: Invitae Variant Classification Sherloc (09022015). Collection method: clinical testing. Allele origin: germline.
Comment: In summary, the available evidence is currently insufficient to determine the role of this variant in disease. Therefore, it has been classified as a Variant of Uncertain Significance. Variants that disrupt the consensus splice site are a relatively common cause of aberrant splicing (PMID: 17576681, 9536098). Algorithms developed to predict the effect of sequence changes on RNA splicing suggest that this variant may disrupt the consensus splice site. Algorithms developed to predict the effect of missense changes on protein structure and function (SIFT, PolyPhen-2, Align-GVGD) all suggest that this variant is likely to be disruptive. ClinVar contains an entry for this variant (Variation ID: 1489145). This variant has not been reported in the literature in individuals affected with RUSC2-related conditions. This variant is not present in population databases (gnomAD no frequency). This sequence change affects codon 995 of the RUSC2 mRNA. It is a 'silent' change, meaning that it does not change the encoded amino acid sequence of the RUSC2 protein. This variant also falls at the last nucleotide of exon 5, which is part of the consensus splice site for this exon.

Literature cited by the submitters: PubMed 17576681; PubMed 9536098.

NM_014806.5(RUSC2):c.2983G>C (p.Gly995Arg)

Gene: RUSC2 (RUN and SH3 domain containing 2; plus strand). Cytogenetic location: 9p13.3.
Variant type: single nucleotide variant.
Coding change: c.2983G>C on transcript NM_014806.5 (MANE Select); coding-DNA position 2983, G replaced by C.
Protein change: p.Gly995Arg; replaces glycine 995 with arginine.
Molecular consequence: missense variant. On other transcripts: non-coding transcript variant (1).
Genome position (GRCh38, 1-based): chr9:35,556,448, G>C. VCF-style: chr9-35556448-G-C. GRCh37 (hg19) VCF-style: chr9-35556445-G-C.
Other names: c.2983G>C, p.Gly995Arg (NM_001135999.2); c.349G>C, p.Gly117Arg (NM_001330740.2); short protein forms G117R, G995R.
Identifiers: ClinVar variation 1489145 (VCV001489145.6), dbSNP rs2131697991, ClinGen allele CA373345975.